The following is an entry in ClinVar:

ClinVar aggregate classification (germline): Likely pathogenic (1 of 4 stars; one submission).

Conditions:
Retinal dystrophy. Also called: Inherited retinal dystrophy. Identifiers: Orphanet 71862, MedGen C0854723, MeSH D058499, MONDO:0019118, HP:0000556.

Submission:

Ophthalmic Genetics Group, Institute of Molecular and Clinical Ophthalmology Basel
Classification: Likely pathogenic for Retinal dystrophy. Last evaluated: 2024-05-27. Review status: criteria provided, single submitter. Criteria: ACMG Guidelines, 2015. Collection method: research. Allele origin: germline. Affected: yes. Observed: 5 variant alleles.
Comment: This variant was classified as Likely pathogenic based on ACMG criteria: PVS1_very strong, PM2_sup and PM3

Literature cited by the submitters: PubMed 40180963.

NM_201548.5(CERKL):c.196C>T (p.Arg66Ter)

Genes: CERKL (CERK like autophagy regulator; minus strand), LOC129935214 (ATAC-STARR-seq lymphoblastoid silent region 12157; plus strand). Cytogenetic location: 2q31.3.
Variant type: single nucleotide variant.
Coding change: c.196C>T on transcript NM_201548.5 (MANE Select); coding-DNA position 196, C replaced by T.
Protein change: p.Arg66Ter; replaces arginine 66 with a stop codon.
Molecular consequence: nonsense. On other transcripts: non-coding transcript variant (2).
Genome position (GRCh38, 1-based): chr2:181,656,811, G>A on the plus strand (C>T on the coding strand, the complement: CERKL is on the minus strand). VCF-style: chr2-181656811-G-A. GRCh37 (hg19) VCF-style: chr2-182521538-G-A.
Other names: NC_000002.11:g.182521538G>A; NP_963842.1:p.(Arg66Ter); c.196C>T, p.Arg66Ter (NM_001030311.3, NM_001030312.3, NM_001030313.3 and 1 more transcripts); short protein forms R66*.
Identifiers: ClinVar variation 3381782 (VCV003381782.2).